The following is an entry in ClinVar:

ClinVar aggregate classification (germline): Benign/Likely benign. Review status: criteria provided, multiple submitters, no conflicts (2 of 4 stars). 10 submissions from 10 submitters: Benign (8); Likely benign (2). Last evaluated 2026-02-03.

Conditions:
Inborn genetic diseases. Identifiers: MedGen C0950123, MeSH D030342.
Developmental and epileptic encephalopathy, 9 (DEE9). Also called: Early infantile epileptic encephalopathy 9; EPILEPSY, FEMALE-RESTRICTED, WITH MENTAL RETARDATION; JUBERG-HELLMAN SYNDROME; PCDH19-Related X-Linked Female-Limited Epilepsy with Mental Retardation. Identifiers: Orphanet 101039, Orphanet 2076, MedGen C1848137, MONDO:0010246, OMIM 300088. Disease mechanism: loss of function.

Allele frequency attached by ClinVar (database versions not stated): gnomAD exomes 0.00081 and 0.00218; ExAC 0.00278; gnomAD 0.00759 and 0.00798; TOPMed 0.00853; 1000 Genomes Project 0.00954; ESP Exome Variant Server 0.00990; 1000 Genomes Project 30x 0.00999.

Submissions (10):

Labcorp Genetics (formerly Invitae), Labcorp
Classification: Benign for Developmental and epileptic encephalopathy, 9. Last evaluated: 2026-02-03. Review status: criteria provided, single submitter. Criteria: Invitae Variant Classification Sherloc (09022015). Collection method: clinical testing. Allele origin: germline.

Blueprint Genetics
Classification: Likely benign. Last evaluated: 2024-11-12. Review status: criteria provided, single submitter. Criteria: ACMG Guidelines, 2015. Collection method: clinical testing. Allele origin: germline.

ARUP Laboratories, Molecular Genetics and Genomics, ARUP Laboratories
Classification: Benign for Developmental and epileptic encephalopathy, 9. Last evaluated: 2024-10-11. Review status: criteria provided, single submitter. Criteria: ARUP Molecular Germline Variant Investigation Process 2024. Collection method: clinical testing. Allele origin: germline.

Athena Diagnostics
Classification: Benign. Last evaluated: 2023-11-09. Review status: criteria provided, single submitter. Criteria: Athena Diagnostics Criteria. Collection method: clinical testing. Allele origin: unknown.

Fulgent Genetics
Classification: Likely benign for Developmental and epileptic encephalopathy, 9. Last evaluated: 2022-05-17. Review status: criteria provided, single submitter. Criteria: ACMG Guidelines, 2015. Collection method: clinical testing. Allele origin: unknown.

Ambry Genetics
Classification: Benign for Inborn genetic diseases. Last evaluated: 2016-03-21. Review status: criteria provided, single submitter. Criteria: Ambry Variant Classification Scheme 2023. Collection method: clinical testing. Allele origin: germline.

Eurofins Ntd Llc (ga)
Classification: Benign. Last evaluated: 2013-02-15. Review status: criteria provided, single submitter. Criteria: EGL Classification Definitions 2015. Collection method: clinical testing. Allele origin: germline. Observed: 1 variant allele, 1 hemizygote.

Genetic Services Laboratory, University of Chicago
Classification: Benign. Last evaluated: 2013-02-08. Review status: criteria provided, single submitter. Criteria: ACMG Guidelines, 2007. Collection method: clinical testing. Allele origin: germline. Inheritance: X-linked inheritance.

GeneDx
Classification: Benign. Last evaluated: 2013-01-08. Review status: criteria provided, single submitter. Criteria: GeneDx Variant Classification (06012015). Collection method: clinical testing. Allele origin: germline. Affected: yes.
Comment: This variant is considered likely benign or benign based on one or more of the following criteria: it is a conservative change, it occurs at a poorly conserved position in the protein, it is predicted to be benign by multiple in silico algorithms, and/or has population frequency not consistent with disease.

Breakthrough Genomics
Classification: Benign. Review status: criteria provided, single submitter. Criteria: ACMG Guidelines, 2015. Collection method: not provided. Allele origin: germline. Inheritance: X-linked inheritance. Affected: yes.

NM_001184880.2(PCDH19):c.2469G>A (p.Leu823=)

Genes: PCDH19 (protocadherin 19; minus strand), LOC125467768 (CDK7 strongly-dependent group 2 enhancer GRCh37_chrX:99657381-99658580; plus strand). Cytogenetic location: Xq22.1.
Variant type: single nucleotide variant.
Coding change: c.2469G>A on transcript NM_001184880.2 (MANE Select); coding-DNA position 2469, G replaced by A.
Protein change: p.Leu823=; no amino-acid change (leucine 823 retained).
Molecular consequence: synonymous variant.
Genome position (GRCh38, 1-based): chrX:100,402,671, C>T on the plus strand (G>A on the coding strand, the complement: PCDH19 is on the minus strand). VCF-style: chrX-100402671-C-T. GRCh37 (hg19) VCF-style: chrX-99657669-C-T.
Other names: p.L776L:CTG>CTA; c.2328G>A, p.Leu776= (NM_001105243.2, NM_020766.3).
Identifiers: ClinVar variation 93673 (VCV000093673.66), dbSNP rs61744561, ClinGen allele CA285464.